The following is an entry in ClinVar:

NM_015047.3(EMC1):c.8C>T (p.Ala3Val)

Gene: EMC1 (ER membrane protein complex subunit 1; minus strand). Cytogenetic location: 1p36.13.
Variant type: single nucleotide variant.
Coding change: c.8C>T on transcript NM_015047.3 (MANE Select); coding-DNA position 8, C replaced by T.
Protein change: p.Ala3Val; replaces alanine 3 with valine.
Molecular consequence: missense variant.
Genome position (GRCh38, 1-based): chr1:19,251,502, G>A on the plus strand (C>T on the coding strand, the complement: EMC1 is on the minus strand). VCF-style: chr1-19251502-G-A. GRCh37 (hg19) VCF-style: chr1-19577996-G-A.
Other names: c.8C>T, p.Ala3Val (NM_001271427.2, NM_001271428.2, NM_001271429.2 and 2 more transcripts); c.8C>T (NM_015047.1); short protein forms A3V.
Identifiers: ClinVar variation 837771 (VCV000837771.11), dbSNP rs552276163, ClinGen allele CA653080.

ClinVar aggregate classification (germline): Conflicting classifications of pathogenicity. Review status: criteria provided, conflicting classifications (1 of 4 stars). 3 submissions from 3 submitters: Uncertain significance (2); Benign (1). Last evaluated 2025-12-10.

Conditions:
Inborn genetic diseases. Identifiers: MedGen C0950123, MeSH D030342.

Allele frequency attached by ClinVar (database versions not stated): gnomAD 0.00001; ExAC 0.00002; TOPMed 0.00005; gnomAD exomes 0.00008; 1000 Genomes Project 30x 0.00016; 1000 Genomes Project 0.00020.
gnomAD v4.1: 35 of 1,614,106 alleles (0.0022%); highest among the groups gnomAD compares: East Asian, 0.074%; no homozygotes.

Submissions (3):

Labcorp Genetics (formerly Invitae), Labcorp
Classification: Uncertain significance. Last evaluated: 2025-12-10. Review status: criteria provided, single submitter. Criteria: Invitae Variant Classification Sherloc (09022015). Collection method: clinical testing. Allele origin: germline.
Comment: This sequence change replaces alanine, which is neutral and non-polar, with valine, which is neutral and non-polar, at codon 3 of the EMC1 protein (p.Ala3Val). This variant is present in population databases (rs552276163, gnomAD 0.1%). This variant has not been reported in the literature in individuals affected with EMC1-related conditions. ClinVar contains an entry for this variant (Variation ID: 837771). An algorithm developed to predict the effect of missense changes on protein structure and function outputs the following: PolyPhen-2: "Benign". The valine amino acid residue is found in multiple mammalian species, which suggests that this missense change does not adversely affect protein function. In summary, the available evidence is currently insufficient to determine the role of this variant in disease. Therefore, it has been classified as a Variant of Uncertain Significance.

Ambry Genetics
Classification: Uncertain significance for Inborn genetic diseases. Last evaluated: 2023-12-27. Review status: criteria provided, single submitter. Criteria: Ambry Variant Classification Scheme 2023. Collection method: clinical testing. Allele origin: germline.

Blueprint Genetics
Classification: Benign. Last evaluated: 2021-11-16. Review status: criteria provided, single submitter. Criteria: ACMG Guidelines, 2015. Collection method: clinical testing. Allele origin: germline.